The following is an entry in ClinVar:

ClinVar aggregate classification (germline): Uncertain significance. Review status: criteria provided, multiple submitters, no conflicts (2 of 4 stars). 4 submissions from 4 submitters: Uncertain significance (4). Last evaluated 2026-02-17.

Conditions:
Inborn genetic diseases. Identifiers: MedGen C0950123, MeSH D030342.
CEP78-related disorder. Also called: CEP78-related condition.

Allele frequency attached by ClinVar (database versions not stated): gnomAD 0.00001 and 0.00002; ExAC 0.00002; gnomAD exomes 0.00002 and 0.00007; TOPMed 0.00004.
gnomAD v4.1: 97 of 1,585,280 alleles (0.0061%); highest among the groups gnomAD compares: Middle Eastern, 0.017%; 1 homozygote.

Submissions (4):

PreventionGenetics, part of Exact Sciences
Classification: Uncertain significance for CEP78-related condition. Last evaluated: 2026-02-17. Review status: criteria provided, single submitter. Criteria: ACMG Guidelines, 2015. Collection method: clinical testing. Allele origin: germline.
Comment: The CEP78 c.1750G>A variant is predicted to result in the amino acid substitution p.Glu584Lys. To our knowledge, this variant has not been reported in the literature. This variant is reported in 0.0039% of alleles in individuals of South Asian descent in gnomAD. At this time, the clinical significance of this variant is uncertain due to the absence of conclusive functional and genetic evidence.

Labcorp Genetics (formerly Invitae), Labcorp
Classification: Uncertain significance. Last evaluated: 2025-08-11. Review status: criteria provided, single submitter. Criteria: Invitae Variant Classification Sherloc (09022015). Collection method: clinical testing. Allele origin: germline.
Comment: This sequence change replaces glutamic acid, which is acidic and polar, with lysine, which is basic and polar, at codon 584 of the CEP78 protein (p.Glu584Lys). This variant is present in population databases (rs780102526, gnomAD 0.006%). This variant has not been reported in the literature in individuals affected with CEP78-related conditions. ClinVar contains an entry for this variant (Variation ID: 1477128). Invitae Evidence Modeling of protein sequence and biophysical properties (such as structural, functional, and spatial information, amino acid conservation, physicochemical variation, residue mobility, and thermodynamic stability) indicates that this missense variant is not expected to disrupt CEP78 protein function with a negative predictive value of 80%. In summary, the available evidence is currently insufficient to determine the role of this variant in disease. Therefore, it has been classified as a Variant of Uncertain Significance.

Blueprint Genetics
Classification: Uncertain significance. Last evaluated: 2024-11-21. Review status: criteria provided, single submitter. Criteria: ACMG Guidelines, 2015. Collection method: clinical testing. Allele origin: germline.

Ambry Genetics
Classification: Uncertain significance for Inborn genetic diseases. Last evaluated: 2024-03-18. Review status: criteria provided, single submitter. Criteria: Ambry Variant Classification Scheme 2023. Collection method: clinical testing. Allele origin: germline.

NM_001330691.3(CEP78):c.1747G>A (p.Glu583Lys)

Gene: CEP78 (centrosomal protein 78; plus strand). Cytogenetic location: 9q21.2.
Variant type: single nucleotide variant.
Coding change: c.1747G>A on transcript NM_001330691.3 (MANE Select); coding-DNA position 1747, G replaced by A.
Protein change: p.Glu583Lys; replaces glutamic acid 583 with lysine.
Molecular consequence: missense variant.
Genome position (GRCh38, 1-based): chr9:78,265,493, G>A. VCF-style: chr9-78265493-G-A. GRCh37 (hg19) VCF-style: chr9-80880409-G-A.
Other names: c.1750G>A (NM_001098802.1); c.1750G>A, p.Glu584Lys (NM_001098802.3, NM_001349839.2, NM_001349840.2 and 1 more transcripts); c.1747G>A, p.Glu583Lys (NM_001330693.3, NM_001330694.2, NM_001349838.2); short protein forms E583K, E584K.
Identifiers: ClinVar variation 1477128 (VCV001477128.10), dbSNP rs780102526, ClinGen allele CA5095344.